The following is an entry in ClinVar:

NM_001966.4(EHHADH):c.1285A>C (p.Ile429Leu)

Gene: EHHADH (enoyl-CoA hydratase and 3-hydroxyacyl CoA dehydrogenase; minus strand). Cytogenetic location: 3q27.2.
Variant type: single nucleotide variant.
Coding change: c.1285A>C on transcript NM_001966.4 (MANE Select); coding-DNA position 1285, A replaced by C.
Protein change: p.Ile429Leu; replaces isoleucine 429 with leucine.
Molecular consequence: missense variant.
Genome position (GRCh38, 1-based): chr3:185,193,113, T>G on the plus strand (A>C on the coding strand, the complement: EHHADH is on the minus strand). VCF-style: chr3-185193113-T-G. GRCh37 (hg19) VCF-style: chr3-184910901-T-G.
Other names: c.997A>C, p.Ile333Leu (NM_001166415.2); short protein forms I333L, I429L.
Identifiers: ClinVar variation 4992606 (VCV004992606.1).

ClinVar aggregate classification (germline): Uncertain significance (1 of 4 stars; one submission).

Conditions:
EHHADH-related disorder. Also called: EHHADH-related condition.

Submission:

PreventionGenetics, part of Exact Sciences
Classification: Uncertain significance for EHHADH-related condition. Last evaluated: 2026-04-02. Review status: criteria provided, single submitter. Criteria: ACMG Guidelines, 2015. Collection method: clinical testing. Allele origin: germline.
Comment: The EHHADH c.1285A>C variant is predicted to result in the amino acid substitution p.Ile429Leu. To our knowledge, this variant has not been reported in the literature or in a large population database (gnomAD), indicating this variant is rare. At this time, the clinical significance of this variant is uncertain due to the absence of conclusive functional and genetic evidence.